The following is an entry in ClinVar:

NM_015102.5(NPHP4):c.4239C>G (p.Asp1413Glu)

Gene: NPHP4 (nephrocystin 4; minus strand). Cytogenetic location: 1p36.31.
Variant type: single nucleotide variant.
Coding change: c.4239C>G on transcript NM_015102.5 (MANE Select); coding-DNA position 4239, C replaced by G.
Protein change: p.Asp1413Glu; replaces aspartic acid 1413 with glutamic acid.
Molecular consequence: missense variant. On other transcripts: non-coding transcript variant (1).
Genome position (GRCh38, 1-based): chr1:5,863,307, G>C on the plus strand (C>G on the coding strand, the complement: NPHP4 is on the minus strand). VCF-style: chr1-5863307-G-C. GRCh37 (hg19) VCF-style: chr1-5923367-G-C.
Other names: c.2700C>G, p.Asp900Glu (NM_001291593.2); c.2703C>G, p.Asp901Glu (NM_001291594.2); c.4239C>G (NM_015102.4); short protein forms D1413E, D901E, D900E.
Identifiers: ClinVar variation 595255 (VCV000595255.11), dbSNP rs763112800, ClinGen allele CA553293.

ClinVar aggregate classification (germline): Uncertain significance. Review status: criteria provided, multiple submitters, no conflicts (2 of 4 stars). 4 submissions from 4 submitters: Uncertain significance (4). Last evaluated 2026-06-11.

Conditions:
Nephronophthisis 4 (NPHP4). Also called: NEPHRONOPHTHISIS 4, JUVENILE. Identifiers: Orphanet 655, MedGen C1847013, MONDO:0011752, OMIM 606966.
Senior-Loken syndrome 4 (SLSN4). Identifiers: Orphanet 3156, MedGen C1846979, MONDO:0011756, OMIM 606996.
NPHP4-related disorder. Also called: NPHP4-related disorders; NPHP4-related condition. Identifiers: MedGen CN239384.
Nephronophthisis. Also called: Juvenile Nephronophthisis. Identifiers: Orphanet 655, MedGen C0687120, MONDO:0019005, HP:0000090.

Allele frequency attached by ClinVar (database versions not stated): gnomAD 0.00001; TOPMed 0.00002; gnomAD exomes 0.00004 and 0.00008; ExAC 0.00008.
gnomAD v4.1: 25 of 1,613,838 alleles (0.0015%); highest among the groups gnomAD compares: Admixed American, 0.042%; no homozygotes.

Submissions (4):

PreventionGenetics, part of Exact Sciences
Classification: Uncertain significance for NPHP4-related condition. Last evaluated: 2026-06-11. Review status: criteria provided, single submitter. Criteria: ACMG Guidelines, 2015. Collection method: clinical testing. Allele origin: germline.
Comment: The NPHP4 c.4239C>G variant is predicted to result in the amino acid substitution p.Asp1413Glu. To our knowledge, this variant has not been reported in the literature. This variant is reported in 0.061% of alleles in individuals of Latino descent in gnomAD, which may be too frequent to be a primary cause of disease. Although we suspect that this variant may be benign, at this time, the clinical significance of this variant is uncertain due to the absence of conclusive functional and genetic evidence.

Labcorp Genetics (formerly Invitae), Labcorp
Classification: Uncertain significance for Nephronophthisis. Last evaluated: 2025-12-29. Review status: criteria provided, single submitter. Criteria: Invitae Variant Classification Sherloc (09022015). Collection method: clinical testing. Allele origin: germline.
Comment: This sequence change replaces aspartic acid, which is acidic and polar, with glutamic acid, which is acidic and polar, at codon 1413 of the NPHP4 protein (p.Asp1413Glu). This variant is present in population databases (rs763112800, gnomAD 0.06%). This variant has not been reported in the literature in individuals affected with NPHP4-related conditions. ClinVar contains an entry for this variant (Variation ID: 595255). Invitae Evidence Modeling of protein sequence and biophysical properties (such as structural, functional, and spatial information, amino acid conservation, physicochemical variation, residue mobility, and thermodynamic stability) indicates that this missense variant is not expected to disrupt NPHP4 protein function with a negative predictive value of 80%. In summary, the available evidence is currently insufficient to determine the role of this variant in disease. Therefore, it has been classified as a Variant of Uncertain Significance.

Fulgent Genetics
Classification: Uncertain significance for Nephronophthisis 4; Senior-Loken syndrome 4. Last evaluated: 2024-04-19. Review status: criteria provided, single submitter. Criteria: ACMG Guidelines, 2015. Collection method: clinical testing. Allele origin: germline.

Eurofins Ntd Llc (ga)
Classification: Uncertain significance. Last evaluated: 2017-12-07. Review status: criteria provided, single submitter. Criteria: EGL Classification Definitions 2015. Collection method: clinical testing. Allele origin: germline. Observed: 1 variant allele, 1 heterozygote.